The following is an entry in ClinVar:

ClinVar aggregate classification (germline): Uncertain significance (1 of 4 stars; one submission).

Conditions:
MHC class II deficiency. Also called: BLS, TYPE II; Bare lymphocyte syndrome 2. Identifiers: Orphanet 572, MedGen C5447452, MONDO:0008855.

gnomAD v4.1: 2 of 1,614,068 alleles (0.00012%); highest among the groups gnomAD compares: Non-Finnish European, 0.00017%; no homozygotes.

Submission:

Labcorp Genetics (formerly Invitae), Labcorp
Classification: Uncertain significance for MHC class II deficiency. Last evaluated: 2020-12-20. Review status: criteria provided, single submitter. Criteria: Invitae Variant Classification Sherloc (09022015). Collection method: clinical testing. Allele origin: germline.
Comment: In summary, the available evidence is currently insufficient to determine the role of this variant in disease. Therefore, it has been classified as a Variant of Uncertain Significance. Algorithms developed to predict the effect of missense changes on protein structure and function output the following: SIFT: "Tolerated"; PolyPhen-2: "Benign"; Align-GVGD: "Class C0". The leucine amino acid residue is found in multiple mammalian species, suggesting that this missense change does not adversely affect protein function. These predictions have not been confirmed by published functional studies and their clinical significance is uncertain. This variant has not been reported in the literature in individuals with CIITA-related conditions. This variant is not present in population databases (ExAC no frequency). This sequence change replaces valine with leucine at codon 685 of the CIITA protein (p.Val685Leu). The valine residue is moderately conserved and there is a small physicochemical difference between valine and leucine.

NM_000246.4(CIITA):c.2053G>C (p.Val685Leu)

Gene: CIITA (class II major histocompatibility complex transactivator; plus strand). Cytogenetic location: 16p13.13.
Variant type: single nucleotide variant.
Coding change: c.2053G>C on transcript NM_000246.4 (MANE Select); coding-DNA position 2053, G replaced by C.
Protein change: p.Val685Leu; replaces valine 685 with leucine.
Molecular consequence: missense variant. On other transcripts: intron variant (1).
Genome position (GRCh38, 1-based): chr16:10,907,545, G>C. VCF-style: chr16-10907545-G-C. GRCh37 (hg19) VCF-style: chr16-11001402-G-C.
Other names: c.2056G>C, p.Val686Leu (NM_001286402.1, NM_001379332.1); c.1909G>C, p.Val637Leu (NM_001379330.1); c.1906G>C, p.Val636Leu (NM_001379331.1); c.2053G>C, p.Val685Leu (NM_001379333.1); c.1984G>C, p.Val662Leu (NM_001379334.1); c.860-1438G>C (NM_001286403.2); short protein forms V662L, V686L, V637L, V636L, V685L.
Identifiers: ClinVar variation 1405181 (VCV001405181.8), dbSNP rs148144155, ClinGen allele CA394732294.
Genomic context (GRCh38, chr16:10,907,545, plus strand): 5'-TGGGAGCTGGGCCGCAGACATCAAAGTACCCTACAGGAGGACCAGTTCCCATCCGCAGAC[G>C]TGAGGACCTGGGCGATGGCCAAAGGCTTAGTCCAACACCCACCGCGGGCCGCAGAGTCCG-3'
Protein context (NP_000237.2, residues 675-695): LQEDQFPSAD[Val685Leu]RTWAMAKGLV